The following is an entry in ClinVar:

ClinVar aggregate classification (germline): Conflicting classifications of pathogenicity. Review status: criteria provided, conflicting classifications (1 of 4 stars). 6 submissions from 6 submitters: Uncertain significance (5); Likely benign (1). Last evaluated 2026-01-19.

Conditions:
Classic or attenuated familial adenomatous polyposis. Identifiers: MedGen CN372698, MONDO:0021057.
Gastric adenocarcinoma and proximal polyposis of the stomach (GAPPS). Also called: Polyposis, gastric, Dos Santos and de Magalhaes 1980; POLYPOSIS, GASTRIC; Gastric Adenocarcinoma and Proximal Polyposis of the Stomach (GAPPS). Identifiers: Orphanet 314022, MedGen C4749917, MONDO:0017790, OMIM 619182.
Gastric cancer. Also called: Stomach cancer; Malignant tumor of stomach. Identifiers: MedGen C0024623, MeSH D013274, MONDO:0001056, OMIM 613659, HP:0012126.
Desmoid disease, hereditary (DESMD). Also called: FIBROMATOSIS, FAMILIAL INFILTRATIVE. Identifiers: Orphanet 873, MedGen C1851124, OMIM 135290. Disease mechanism: loss of function.
Familial adenomatous polyposis 1 (FAP1). Also called: FAMILIAL ADENOMATOUS POLYPOSIS 1, ATTENUATED; POLYPOSIS, ADENOMATOUS INTESTINAL. Identifiers: MedGen C2713442, MONDO:0021056, OMIM 175100. Disease mechanism: loss of function.
Colorectal cancer. Also called: Malignant Colorectal Neoplasm; Colorectal cancer, somatic. Identifiers: MedGen C0346629, MONDO:0005575, OMIM 114500.
Hepatocellular carcinoma (HCC). Also called: Primary carcinoma of liver; HEPATOMA; LIVER CELL CARCINOMA. Identifiers: Orphanet 88673, MedGen C2239176, MONDO:0007256, OMIM 114550, HP:0001402.
Hereditary cancer-predisposing syndrome. Also called: Hereditary neoplastic syndrome; Neoplastic Syndromes, Hereditary; Hereditary Cancer Syndrome; Tumor predisposition. Identifiers: Orphanet 140162, MedGen C0027672, MeSH D009386, MONDO:0015356.

Allele frequency attached by ClinVar (database versions not stated): gnomAD exomes 0.00001 and 0.00002; ExAC 0.00002.
gnomAD v4.1: 18 of 1,614,172 alleles (0.0011%); highest among the groups gnomAD compares: South Asian, 0.0088%; no homozygotes.

Submissions (6):

Labcorp Genetics (formerly Invitae), Labcorp
Classification: Uncertain significance for Familial adenomatous polyposis 1. Last evaluated: 2026-01-19. Review status: criteria provided, single submitter. Criteria: Invitae Variant Classification Sherloc (09022015). Collection method: clinical testing. Allele origin: germline.
Comment: This sequence change replaces proline, which is neutral and non-polar, with serine, which is neutral and polar, at codon 1221 of the APC protein (p.Pro1221Ser). This variant is present in population databases (rs760999992, gnomAD 0.01%). This variant has not been reported in the literature in individuals affected with APC-related conditions. ClinVar contains an entry for this variant (Variation ID: 568688). Invitae Evidence Modeling of protein sequence and biophysical properties (such as structural, functional, and spatial information, amino acid conservation, physicochemical variation, residue mobility, and thermodynamic stability) indicates that this missense variant is not expected to disrupt APC protein function with a negative predictive value of 95%. In summary, the available evidence is currently insufficient to determine the role of this variant in disease. Therefore, it has been classified as a Variant of Uncertain Significance.

Color Diagnostics, LLC DBA Color Health
Classification: Uncertain significance for Hereditary cancer-predisposing syndrome. Last evaluated: 2024-03-06. Review status: criteria provided, single submitter. Criteria: ACMG Guidelines, 2015. Collection method: clinical testing. Allele origin: germline.
Comment: This missense variant replaces proline with serine at codon 1221 of the APC protein. Computational prediction suggests that this variant may not impact protein structure and function (internally defined REVEL score threshold <= 0.5, PMID: 27666373). To our knowledge, functional studies have not been reported for this variant. This variant has not been reported in individuals affected with APC-related disorders in the literature. This variant has been identified in 4/250270 chromosomes in the general population by the Genome Aggregation Database (gnomAD). The available evidence is insufficient to determine the role of this variant in disease conclusively. Therefore, this variant is classified as a Variant of Uncertain Significance.

Baylor Genetics
Classification: Uncertain significance for Familial adenomatous polyposis 1. Last evaluated: 2023-09-17. Review status: criteria provided, single submitter. Criteria: ACMG Guidelines, 2015. Collection method: clinical testing. Allele origin: unknown.

All of Us Research Program, National Institutes of Health
Classification: Uncertain significance for Classic or attenuated familial adenomatous polyposis. Last evaluated: 2023-05-16. Review status: criteria provided, single submitter. Criteria: ACMG Guidelines, 2015. Collection method: clinical testing. Allele origin: germline. Inheritance: Autosomal dominant inheritance. Observed: 1 variant allele, 1 heterozygote.
Comment: This missense variant replaces proline with serine at codon 1221 of the APC protein. Computational prediction tools and conservation analyses suggest that this variant may not impact the protein function. Computational splicing tools suggest that this variant may not impact RNA splicing. To our knowledge, functional assays have not been performed for this variant nor has this variant been reported in individuals affected with hereditary cancer in the literature. This variant has been identified in 4/250270 chromosomes in the general population by the Genome Aggregation Database (gnomAD). Available evidence is insufficient to determine the role of this variant in disease conclusively. Therefore, this variant is classified as a Variant of Uncertain Significance.

This study involves interpretation of variants in research participants for the purpose of population health screening. Participant phenotype was not available at the time of variant classification. Additional details can be found in publication PMID: 35346344, PMCID: PMC8962531

Ambry Genetics
Classification: Likely benign for Hereditary cancer-predisposing syndrome. Last evaluated: 2022-12-20. Review status: criteria provided, single submitter. Criteria: Ambry Variant Classification Scheme 2023. Collection method: clinical testing. Allele origin: germline.

Fulgent Genetics
Classification: Uncertain significance for Colorectal cancer; Hepatocellular carcinoma; Desmoid disease, hereditary; Familial adenomatous polyposis 1; Gastric cancer; Gastric adenocarcinoma and proximal polyposis of the stomach. Last evaluated: 2021-09-28. Review status: criteria provided, single submitter. Criteria: ACMG Guidelines, 2015. Collection method: clinical testing. Allele origin: unknown.

NM_000038.6(APC):c.3661C>T (p.Pro1221Ser)

Gene: APC (APC regulator of Wnt signaling pathway; plus strand). Cytogenetic location: 5q22.2.
Variant type: single nucleotide variant.
Coding change: c.3661C>T on transcript NM_000038.6 (MANE Select); coding-DNA position 3661, C replaced by T.
Protein change: p.Pro1221Ser; replaces proline 1221 with serine.
Molecular consequence: missense variant.
Genome position (GRCh38, 1-based): chr5:112,839,255, C>T. VCF-style: chr5-112839255-C-T. GRCh37 (hg19) VCF-style: chr5-112174952-C-T.
Other names: c.3661C>T, p.Pro1221Ser (NM_001127510.3, NM_001354895.2); c.3607C>T, p.Pro1203Ser (NM_001127511.3); c.3715C>T, p.Pro1239Ser (NM_001354896.2); c.3691C>T, p.Pro1231Ser (NM_001354897.2); c.3586C>T, p.Pro1196Ser (NM_001354898.2); c.3577C>T, p.Pro1193Ser (NM_001354899.2); c.3538C>T, p.Pro1180Ser (NM_001354900.2); c.3484C>T, p.Pro1162Ser (NM_001354901.2); and 5 more; short protein forms P1203S, P1221S, P1061S, P1095S, P1162S, P938S, P1193S, P1196S.
Identifiers: ClinVar variation 568688 (VCV000568688.18), dbSNP rs760999992, ClinGen allele CA036201.